The following is an entry in ClinVar:

ClinVar aggregate classification (germline): Benign. Review status: reviewed by expert panel (3 of 4 stars). 4 submissions from 4 submitters: Benign (1). 3 of the submissions do not count toward it. Last evaluated 2023-03-21.

Conditions:
Glanzmann thrombasthenia. Also called: THROMBASTHENIA OF GLANZMANN AND NAEGELI; Glanzmann's thrombasthenia; PLATELET GLYCOPROTEIN IIb-IIIa DEFICIENCY; Thrombasthenia. Identifiers: Orphanet 849, MedGen C0040015, MONDO:0100326.

Allele frequency attached by ClinVar (database versions not stated): gnomAD exomes 0.00029 and 0.00041; ExAC 0.00279; gnomAD 0.00327 and 0.00345; TOPMed 0.00377; 1000 Genomes Project 0.00379; 1000 Genomes Project 30x 0.00453.
gnomAD v4.1: 869 of 1,414,502 alleles (0.061%); highest among the groups gnomAD compares: African/African-American, 1.2%; 5 homozygotes.

Submissions (4):

ClinGen Platelet Disorders Variant Curation Expert Panel, ClinGen
Classification: Benign for Glanzmann thrombasthenia. Last evaluated: 2023-03-21. Review status: reviewed by expert panel. Criteria: ClinGen Platelet ACMG Specifications v2-1. Collection method: curation. Allele origin: germline. Inheritance: Autosomal recessive inheritance.
Comment: After a comprehensive literature search of the synonymous variant NM_000212.3(ITGB3):c.58C>T (p.Leu20=), no individuals with Glanzmann thrombasthenia were reported with the variant. This variant was observed by Ilumina as part of a predisposition screen in an ostensibly healthy population. Moreover, the variant has a minor allele frequency of 0.01438 (146/10154 alleles) in gnomAD, found in the African/African American population, which is considerably higher than the expected frequency of the disease (BA1). In silico predictor spliceAI revealed that the synonymous mutation is not expected to impact splicing. However, BP7 was not applied as the nucleotide position is conserved. In summary, this variant meets the criteria to be classified as Benign for autosomal recessive Glanzmann Thrombasthenia based on the ACMG/AMP criteria applied, as specified by the ClinGen PD VCEP: BA1 and BP4 (PD VCEP specifications version 2.1).

Blueprint Genetics
Classification: Likely benign. Last evaluated: 2024-03-07. Review status: criteria provided, single submitter. Criteria: ACMG Guidelines, 2015. Collection method: clinical testing. Allele origin: germline. Not counted in ClinVar's aggregate classification.

Labcorp Genetics (formerly Invitae), Labcorp
Classification: Benign. Last evaluated: 2019-12-31. Review status: criteria provided, single submitter. Criteria: Invitae Variant Classification Sherloc (09022015). Collection method: clinical testing. Allele origin: germline. Not counted in ClinVar's aggregate classification.

Illumina Laboratory Services, Illumina
Classification: Benign for Glanzmann thrombasthenia 1. Last evaluated: 2018-01-13. Review status: criteria provided, single submitter. Criteria: ICSL Variant Classification Criteria 13 December 2019. Collection method: clinical testing. Allele origin: germline. Not counted in ClinVar's aggregate classification.
Comment: This variant was observed in the ICSL laboratory as part of a predisposition screen in an ostensibly healthy population. It had not been previously curated by ICSL or reported in the Human Gene Mutation Database (HGMD: prior to June 1st, 2018), and was therefore a candidate for classification through an automated scoring system. Utilizing variant allele frequency, disease prevalence and penetrance estimates, and inheritance mode, an automated score was calculated to assess if this variant is too frequent to cause the disease. Based on the score and internal cut-off values, a variant classified as benign is not then subjected to further curation. The score for this variant resulted in a classification of benign for this disease.

NM_000212.3(ITGB3):c.58C>T (p.Leu20=)

Gene: ITGB3 (integrin subunit beta 3; plus strand). Cytogenetic location: 17q21.32.
Variant type: single nucleotide variant.
Coding change: c.58C>T on transcript NM_000212.3 (MANE Select); coding-DNA position 58, C replaced by T.
Protein change: p.Leu20=; no amino-acid change (leucine 20 retained).
Molecular consequence: synonymous variant.
Genome position (GRCh38, 1-based): chr17:47,253,919, C>T. VCF-style: chr17-47253919-C-T. GRCh37 (hg19) VCF-style: chr17-45331285-C-T.
Other names: NM_000212.3(ITGB3):c.58C>T; p.Leu20=.
Identifiers: ClinVar variation 323863 (VCV000323863.12), dbSNP rs548495900, ClinGen allele CA8622836.
Genomic context (GRCh38, chr17:47,253,919, plus strand): 5'-GAGATGCGAGCGCGGCCGCGGCCCCGGCCGCTCTGGGCGACTGTGCTGGCGCTGGGGGCG[C>T]TGGCGGGCGTTGGCGTAGGAGGTGAGTGAGGCTCCGGCTCGGCAGCGTCGCAGCTGCCCC-3'
Protein context (NP_000203.2, residues 10-30): LWATVLALGA[Leu20=]AGVGVGGPNI